The following is an entry in ClinVar:

ClinVar aggregate classification (germline): Uncertain significance (1 of 4 stars; one submission).

Allele frequency attached by ClinVar (database versions not stated): TOPMed below 0.00001.

Submission:

Labcorp Genetics (formerly Invitae), Labcorp
Classification: Uncertain significance. Last evaluated: 2022-03-01. Review status: criteria provided, single submitter. Criteria: Invitae Variant Classification Sherloc (09022015). Collection method: clinical testing. Allele origin: germline.
Comment: This variant has not been reported in the literature in individuals affected with DNA2-related conditions. Algorithms developed to predict the effect of missense changes on protein structure and function are either unavailable or do not agree on the potential impact of this missense change (SIFT: "Deleterious"; PolyPhen-2: "Not Available"; Align-GVGD: "Class C0"). In summary, the available evidence is currently insufficient to determine the role of this variant in disease. Therefore, it has been classified as a Variant of Uncertain Significance. This variant is not present in population databases (gnomAD no frequency). This sequence change replaces proline, which is neutral and non-polar, with leucine, which is neutral and non-polar, at codon 215 of the DNA2 protein (p.Pro215Leu).

NM_001080449.3(DNA2):c.644C>T (p.Pro215Leu)

Gene: DNA2 (DNA replication helicase/nuclease 2; minus strand). Cytogenetic location: 10q21.3.
Variant type: single nucleotide variant.
Coding change: c.644C>T on transcript NM_001080449.3 (MANE Select); coding-DNA position 644, C replaced by T.
Protein change: p.Pro215Leu; replaces proline 215 with leucine.
Molecular consequence: missense variant. On other transcripts: non-coding transcript variant (1).
Genome position (GRCh38, 1-based): chr10:68,459,179, G>A on the plus strand (C>T on the coding strand, the complement: DNA2 is on the minus strand). VCF-style: chr10-68459179-G-A. GRCh37 (hg19) VCF-style: chr10-70218936-G-A.
Other names: short protein forms P215L.
Identifiers: ClinVar variation 2105413 (VCV002105413.4), dbSNP rs2052224167, ClinGen allele CA376864838.